The following is an entry in ClinVar:

ClinVar aggregate classification (germline): Uncertain significance (1 of 4 stars; one submission).

Allele frequency attached by ClinVar (database versions not stated): gnomAD exomes 0.00002 and 0.00010; gnomAD 0.00005; TOPMed 0.00006; ExAC 0.00011.
gnomAD v4.1: 41 of 1,613,706 alleles (0.0025%); highest among the groups gnomAD compares: East Asian, 0.087%; no homozygotes.

Submission:

Labcorp Genetics (formerly Invitae), Labcorp
Classification: Uncertain significance. Last evaluated: 2025-07-29. Review status: criteria provided, single submitter. Criteria: Invitae Variant Classification Sherloc (09022015). Collection method: clinical testing. Allele origin: germline.
Comment: This sequence change replaces asparagine, which is neutral and polar, with aspartic acid, which is acidic and polar, at codon 124 of the UNC119 protein (p.Asn124Asp). This variant is present in population databases (rs773311477, gnomAD 0.1%), and has an allele count higher than expected for a pathogenic variant. This missense change has been observed in individual(s) with Leber congenital amaurosis (PMID: 33090715). ClinVar contains an entry for this variant (Variation ID: 1511507). An algorithm developed to predict the effect of missense changes on protein structure and function (PolyPhen-2) suggests that this variant is likely to be disruptive. In summary, the available evidence is currently insufficient to determine the role of this variant in disease. Therefore, it has been classified as a Variant of Uncertain Significance.

Literature cited by the submitters: PubMed 33090715.

NM_005148.4(UNC119):c.370A>G (p.Asn124Asp)

Gene: UNC119 (unc-119 lipid binding chaperone; minus strand). Cytogenetic location: 17q11.2.
Variant type: single nucleotide variant.
Coding change: c.370A>G on transcript NM_005148.4 (MANE Select); coding-DNA position 370, A replaced by G.
Protein change: p.Asn124Asp; replaces asparagine 124 with aspartic acid.
Molecular consequence: missense variant.
Genome position (GRCh38, 1-based): chr17:28,548,066, T>C on the plus strand (A>G on the coding strand, the complement: UNC119 is on the minus strand). VCF-style: chr17-28548066-T-C. GRCh37 (hg19) VCF-style: chr17-26875084-T-C.
Other names: c.85A>G, p.Asn29Asp (NM_001330166.2); c.370A>G, p.Asn124Asp (NM_054035.2); short protein forms N29D, N124D.
Identifiers: ClinVar variation 1511507 (VCV001511507.6), dbSNP rs773311477, ClinGen allele CA8459820.